The following is an entry in ClinVar:

NM_000492.4(CFTR):c.2729C>G (p.Thr910Ser)

Gene: CFTR (CF transmembrane conductance regulator; plus strand). Cytogenetic location: 7q31.2.
Variant type: single nucleotide variant.
Coding change: c.2729C>G on transcript NM_000492.4 (MANE Select); coding-DNA position 2729, C replaced by G.
Protein change: p.Thr910Ser; replaces threonine 910 with serine.
Molecular consequence: missense variant.
Genome position (GRCh38, 1-based): chr7:117,603,603, C>G. VCF-style: chr7-117603603-C-G. GRCh37 (hg19) VCF-style: chr7-117243657-C-G.
Other names: short protein forms T910S.
Identifiers: ClinVar variation 1795259 (VCV001795259.2), dbSNP rs1303696796, ClinGen allele CA368986522.
Genomic context (GRCh38, chr7:117,603,603, plus strand): 5'-AAGACAAAGGGAATAGTACTCATAGTAGAAATAACAGCTATGCAGTGATTATCACCAGCA[C>G]CAGTTCGTATTATGTGTTTTACATTTACGTGGGAGTAGCCGACACTTTGCTTGCTATGGG-3'
Protein context (NP_000483.3, residues 900-920): NNSYAVIITS[Thr910Ser]SSYYVFYIYV

ClinVar aggregate classification (germline): Uncertain significance (1 of 4 stars; one submission).

Conditions:
Cystic fibrosis (CF). Also called: MUCOVISCIDOSIS. Identifiers: Orphanet 586, MedGen C0010674, MONDO:0009061, OMIM 219700. Disease mechanism: loss of function.

Allele frequency attached by ClinVar (database versions not stated): gnomAD exomes below 0.00001.
gnomAD v4.1: 2 of 1,614,002 alleles (0.00012%); highest among the groups gnomAD compares: Non-Finnish European, 0.00017%; no homozygotes.

Submission:

Ambry Genetics
Classification: Uncertain significance for Cystic fibrosis. Last evaluated: 2022-10-19. Review status: criteria provided, single submitter. Criteria: Ambry Variant Classification Scheme 2023. Collection method: clinical testing. Allele origin: germline.
Comment: The p.T910S variant (also known as c.2729C>G), located in coding exon 17 of the CFTR gene, results from a C to G substitution at nucleotide position 2729. The threonine at codon 910 is replaced by serine, an amino acid with similar properties. This amino acid position is conserved. In addition, the in silico prediction for this alteration is inconclusive. Since supporting evidence is limited at this time, the clinical significance of this alteration remains unclear.